The following is an entry in ClinVar:

NM_000092.5(COL4A4):c.3882_3883del (p.Cys1294fs)

Gene: COL4A4 (collagen type IV alpha 4 chain; minus strand). Cytogenetic location: 2q36.3.
Variant type: Microsatellite.
Coding change: c.3882_3883del on transcript NM_000092.5 (MANE Select); coding-DNA positions 3882 to 3883, 2 bases deleted (TG; older notation c.3882_3883delTG).
Protein change: p.Cys1294fs; shifts the reading frame from cysteine 1294.
Molecular consequence: frameshift variant.
Genome position (GRCh38, 1-based): chr2:227,030,533-227,030,534, CA deleted on the plus strand (TG on the coding strand, the reverse complement: COL4A4 is on the minus strand); deleting any 2 consecutive bases within chr2:227,030,533-227,030,536 gives the same sequence; the c. name uses the placement nearest the transcript's 3' end. VCF-style (leftmost placement, unchanged base first): chr2-227030532-CCA-C. GRCh37 (hg19) VCF-style: chr2-227895248-CCA-C.
Other names: short protein forms C1294fs.
Identifiers: ClinVar variation 1179086 (VCV001179086.6), dbSNP rs2149956832, ClinGen allele CA2580616715.

ClinVar aggregate classification (germline): Pathogenic/Likely pathogenic. Review status: criteria provided, multiple submitters, no conflicts (2 of 4 stars). 3 submissions from 2 submitters: Pathogenic (2); Likely pathogenic (1). Last evaluated 2024-05-11.

Conditions:
Autosomal recessive Alport syndrome (ATS2). Also called: COL4A4 Alport Syndrome and Thin Basement Membrane Nephropathy; ALPORT SYNDROME 2, AUTOSOMAL RECESSIVE; Alport syndrome type 2; COL4A3-Related Nephropathy. Identifiers: Orphanet 63, Orphanet 88919, MedGen C4746745, MONDO:0008762, OMIM 203780.
Benign familial hematuria. Also called: thin basement membrane disease. Identifiers: MedGen C0241908, MONDO:0957317.
Hematuria, benign familial, 1 (BFH1). Also called: THIN MEMBRANE NEPHROPATHY. Identifiers: MedGen CN376803, MONDO:0007709, OMIM 141200.

Submissions (3):

Fulgent Genetics
Classification: Likely pathogenic for Hematuria, benign familial, 1; Autosomal recessive Alport syndrome. Last evaluated: 2024-05-11. Review status: criteria provided, single submitter. Criteria: ACMG Guidelines, 2015. Collection method: clinical testing. Allele origin: germline.

Labcorp Genetics (formerly Invitae), Labcorp
Classification: Pathogenic. Last evaluated: 2022-11-24. Review status: criteria provided, single submitter. Criteria: Invitae Variant Classification Sherloc (09022015). Collection method: clinical testing. Allele origin: germline.
Comment: This sequence change creates a premature translational stop signal (p.Cys1294Trpfs*24) in the COL4A4 gene. It is expected to result in an absent or disrupted protein product. Loss-of-function variants in COL4A4 are known to be pathogenic (PMID: 21196518, 24854265, 25307543). This variant is not present in population databases (gnomAD no frequency). This variant has not been reported in the literature in individuals affected with COL4A4-related conditions. ClinVar contains an entry for this variant (Variation ID: 1179086). For these reasons, this variant has been classified as Pathogenic.

Fulgent Genetics
Classification: Pathogenic for Hematuria, benign familial, 1; Autosomal recessive Alport syndrome. Last evaluated: 2021-06-30. Review status: criteria provided, single submitter. Criteria: ACMG Guidelines, 2015. Collection method: clinical testing. Allele origin: unknown.
Comment: This variant has been detected in individual(s) who were sent for testing of Renasight - kidney gene panel.

Literature cited by the submitters: PubMed 21196518 (cited by Labcorp Genetics (formerly Invitae), Labcorp); PubMed 24854265 (cited by Labcorp Genetics (formerly Invitae), Labcorp); PubMed 25307543 (cited by Labcorp Genetics (formerly Invitae), Labcorp).